The following is an entry in ClinVar:

NM_182914.3(SYNE2):c.1694C>G (p.Ser565Cys)

Gene: SYNE2 (spectrin repeat containing nuclear envelope protein 2; plus strand). Cytogenetic location: 14q23.2.
Variant type: single nucleotide variant.
Coding change: c.1694C>G on transcript NM_182914.3 (MANE Select); coding-DNA position 1694, C replaced by G.
Protein change: p.Ser565Cys; replaces serine 565 with cysteine.
Molecular consequence: missense variant.
Genome position (GRCh38, 1-based): chr14:63,981,031, C>G. VCF-style: chr14-63981031-C-G. GRCh37 (hg19) VCF-style: chr14-64447749-C-G.
Other names: c.1694C>G, p.Ser565Cys (NM_015180.6); short protein forms S565C.
Identifiers: ClinVar variation 3611301 (VCV003611301.2).
Genomic context (GRCh38, chr14:63,981,031, plus strand): 5'-TTGTTAATATTGTAGCTGGAGAATGTCAGAATATTAATAAACAGTATATGATGGTGAAAT[C>G]TGATGTTTGTATGTATAGAAAAAATATATATAATGTGAAGTCCACTCTACAAAAAGTGCT-3'
Protein context (NP_878918.2, residues 555-575): NINKQYMMVK[Ser565Cys]DVCMYRKNIY

ClinVar aggregate classification (germline): Uncertain significance (1 of 4 stars; one submission).

Conditions:
Emery-Dreifuss muscular dystrophy 5, autosomal dominant (EDMD5). Also called: EMERY-DREIFUSS MUSCULAR DYSTROPHY 5. Identifiers: Orphanet 261, MedGen C2751805, MONDO:0013072, OMIM 612999.

Submission:

Labcorp Genetics (formerly Invitae), Labcorp
Classification: Uncertain significance for Emery-Dreifuss muscular dystrophy 5, autosomal dominant. Last evaluated: 2024-04-22. Review status: criteria provided, single submitter. Criteria: Invitae Variant Classification Sherloc (09022015). Collection method: clinical testing. Allele origin: germline.
Comment: This sequence change replaces serine, which is neutral and polar, with cysteine, which is neutral and slightly polar, at codon 565 of the SYNE2 protein (p.Ser565Cys). This variant is not present in population databases (gnomAD no frequency). This variant has not been reported in the literature in individuals affected with SYNE2-related conditions. An algorithm developed to predict the effect of missense changes on protein structure and function (PolyPhen-2) suggests that this variant is likely to be tolerated. In summary, the available evidence is currently insufficient to determine the role of this variant in disease. Therefore, it has been classified as a Variant of Uncertain Significance.